The following is an entry in ClinVar:

NM_001035.3(RYR2):c.4944G>C (p.Glu1648Asp)

Gene: RYR2 (ryanodine receptor 2; plus strand). Cytogenetic location: 1q43.
Variant type: single nucleotide variant.
Coding change: c.4944G>C on transcript NM_001035.3 (MANE Select); coding-DNA position 4944, G replaced by C.
Protein change: p.Glu1648Asp; replaces glutamic acid 1648 with aspartic acid.
Molecular consequence: missense variant.
Genome position (GRCh38, 1-based): chr1:237,614,072, G>C. VCF-style: chr1-237614072-G-C. GRCh37 (hg19) VCF-style: chr1-237777372-G-C.
Other names: short protein forms E1648D.
Identifiers: ClinVar variation 1332682 (VCV001332682.3), dbSNP rs1394657369, ClinGen allele CA345403553.
Genomic context (GRCh38, chr1:237,614,072, plus strand): 5'-TTACTACCACTCTCCTCCCTTCTACAGATCTGTTGACATCTTAGAGTTGACAGAGCAGGA[G>C]GAATTGCTGAAATTTCACTATCACACTCTCCGGCTCTACTCAGCCGTCTGTGCTCTTGGG-3'
Protein context (NP_001026.2, residues 1638-1658): SVDILELTEQ[Glu1648Asp]ELLKFHYHTL

ClinVar aggregate classification (germline): Uncertain significance (1 of 4 stars; one submission).

Conditions:
Cardiomyopathy (CMYO). Also called: Cardiomyopathies. Identifiers: Orphanet 167848, MedGen C0878544, MONDO:0004994, HP:0001638. Inheritance: Various modes of inheritance.

Allele frequency attached by ClinVar (database versions not stated): gnomAD exomes below 0.00001.

Submission:

Color Diagnostics, LLC DBA Color Health
Classification: Uncertain significance for Cardiomyopathy. Last evaluated: 2024-03-06. Review status: criteria provided, single submitter. Criteria: ACMG Guidelines, 2015. Collection method: clinical testing. Allele origin: germline.
Comment: This missense variant replaces glutamic acid with aspartic acid at codon 1648 of the RYR2 protein. Computational prediction suggests that this variant may not impact protein structure and function (internally defined REVEL score threshold <= 0.5, PMID: 27666373). To our knowledge, functional studies have not been reported for this variant. This variant has not been reported in individuals affected with cardiovascular disorders in the literature. This variant has been identified in 1/247896 chromosomes in the general population by the Genome Aggregation Database (gnomAD). The available evidence is insufficient to determine the role of this variant in disease conclusively. Therefore, this variant is classified as a Variant of Uncertain Significance.